The following is an entry in ClinVar:

ClinVar aggregate classification (germline): Pathogenic (1 of 4 stars; one submission).

gnomAD v4.1: 3 of 1,613,476 alleles (0.00019%); highest among the groups gnomAD compares: Non-Finnish European, 0.00025%; no homozygotes.

Submission:

Labcorp Genetics (formerly Invitae), Labcorp
Classification: Pathogenic. Last evaluated: 2022-02-08. Review status: criteria provided, single submitter. Criteria: Invitae Variant Classification Sherloc (09022015). Collection method: clinical testing. Allele origin: germline.
Comment: This sequence change affects a donor splice site in intron 7 of the CNGA3 gene. While this variant is not anticipated to result in nonsense mediated decay, it likely alters RNA splicing and results in a disrupted protein product. This variant is present in population databases (rs750806023, gnomAD 0.0009%). This variant has not been reported in the literature in individuals affected with CNGA3-related conditions. ClinVar contains an entry for this variant (Variation ID: 1072948). Variants that disrupt the consensus splice site are a relatively common cause of aberrant splicing (PMID: 17576681, 9536098). Algorithms developed to predict the effect of sequence changes on RNA splicing suggest that this variant may disrupt the consensus splice site. This variant disrupts a region of the CNGA3 protein in which other variant(s) (p.Arg499*) have been determined to be pathogenic (PMID: 24269407, 26992781; Invitae). This suggests that this is a clinically significant region of the protein, and that variants that disrupt it are likely to be disease-causing. For these reasons, this variant has been classified as Pathogenic.

Literature cited by the submitters: PubMed 17576681; PubMed 9536098; PubMed 24269407; PubMed 26992781.

NM_001298.3(CNGA3):c.673+1G>A

Gene: CNGA3 (cyclic nucleotide gated channel subunit alpha 3; plus strand). Cytogenetic location: 2q11.2.
Variant type: single nucleotide variant.
Coding change: c.673+1G>A on transcript NM_001298.3 (MANE Select); the canonical splice donor site of the intron after coding-DNA position 673, G replaced by A.
Molecular consequence: splice donor variant.
Genome position (GRCh38, 1-based): chr2:98,391,971, G>A. VCF-style: chr2-98391971-G-A. GRCh37 (hg19) VCF-style: chr2-99008434-G-A.
Other names: c.619+1G>A (NM_001079878.2).
Identifiers: ClinVar variation 1072948 (VCV001072948.9), dbSNP rs750806023, ClinGen allele CA1793844.